The following is an entry in ClinVar:

NM_019032.6(ADAMTSL4):c.1700G>A (p.Gly567Glu)

Genes: ADAMTSL4 (ADAMTS like 4; plus strand), ADAMTSL4-AS2 (ADAMTSL4 antisense RNA 2; minus strand). Cytogenetic location: 1q21.2.
Variant type: single nucleotide variant.
Coding change: c.1700G>A on transcript NM_019032.6 (MANE Select); coding-DNA position 1700, G replaced by A.
Protein change: p.Gly567Glu; replaces glycine 567 with glutamic acid.
Molecular consequence: missense variant.
Genome position (GRCh38, 1-based): chr1:150,556,744, G>A. VCF-style: chr1-150556744-G-A. GRCh37 (hg19) VCF-style: chr1-150529220-G-A.
Other names: c.1769G>A, p.Gly590Glu (NM_001288607.2, NM_001288608.2); c.1700G>A, p.Gly567Glu (NM_001378596.1, NM_025008.5); c.1700G>A (NM_019032.4); short protein forms G567E, G590E.
Identifiers: ClinVar variation 1921248 (VCV001921248.3), dbSNP rs758687271, ClinGen allele CA1078369.
Genomic context (GRCh38, chr1:150,556,744, plus strand): 5'-CCTACAGGGCCGGCGGGACCGTCTTTCGATATAACCGTCCTCCCAGGGAGGAGGGCAAAG[G>A]GGAGAGTCTGTCGGCTGAAGGCCCCACCACCCAGCCTGTGGATGTCTATGTGAGCCTGGG-3'
Protein context (NP_061905.2, residues 557-577): YNRPPREEGK[Gly567Glu]ESLSAEGPTT

ClinVar aggregate classification (germline): Uncertain significance. Review status: criteria provided, multiple submitters, no conflicts (2 of 4 stars). 2 submissions from 2 submitters: Uncertain significance (2). Last evaluated 2024-05-14.

Conditions:
Inborn genetic diseases. Identifiers: MedGen C0950123, MeSH D030342.

Allele frequency attached by ClinVar (database versions not stated): ExAC 0.00001; gnomAD 0.00001; TOPMed 0.00001; gnomAD exomes 0.00002.
gnomAD v4.1: 32 of 1,613,678 alleles (0.002%); highest among the groups gnomAD compares: Non-Finnish European, 0.0026%; no homozygotes.

Submissions (2):

Ambry Genetics
Classification: Uncertain significance for Inborn genetic diseases. Last evaluated: 2024-05-14. Review status: criteria provided, single submitter. Criteria: Ambry Variant Classification Scheme 2023. Collection method: clinical testing. Allele origin: germline.

Labcorp Genetics (formerly Invitae), Labcorp
Classification: Uncertain significance. Last evaluated: 2022-03-17. Review status: criteria provided, single submitter. Criteria: Invitae Variant Classification Sherloc (09022015). Collection method: clinical testing. Allele origin: germline.
Comment: This sequence change replaces glycine, which is neutral and non-polar, with glutamic acid, which is acidic and polar, at codon 567 of the ADAMTSL4 protein (p.Gly567Glu). This variant is present in population databases (rs758687271, gnomAD 0.004%). This variant has not been reported in the literature in individuals affected with ADAMTSL4-related conditions. Algorithms developed to predict the effect of missense changes on protein structure and function (SIFT, PolyPhen-2, Align-GVGD) all suggest that this variant is likely to be disruptive. In summary, the available evidence is currently insufficient to determine the role of this variant in disease. Therefore, it has been classified as a Variant of Uncertain Significance.